The following is an entry in ClinVar:

ClinVar aggregate classification (germline): Uncertain significance (1 of 4 stars; one submission).

Conditions:
Peutz-Jeghers syndrome (PJS). Also called: POLYPOSIS, HAMARTOMATOUS INTESTINAL; POLYPS-AND-SPOTS SYNDROME; Peutz-Jeghers polyposis; Periorificial lentiginosis syndrome. Identifiers: Orphanet 2869, MedGen C0031269, MeSH D010580, MONDO:0008280, OMIM 175200.

gnomAD v4.1: 1 of 1,610,924 alleles (0.000062%); highest among the groups gnomAD compares: Non-Finnish European, 0.000085%; no homozygotes.

Submission:

Labcorp Genetics (formerly Invitae), Labcorp
Classification: Uncertain significance for Peutz-Jeghers syndrome. Last evaluated: 2024-07-26. Review status: criteria provided, single submitter. Criteria: Invitae Variant Classification Sherloc (09022015). Collection method: clinical testing. Allele origin: germline.
Comment: This sequence change replaces glycine, which is neutral and non-polar, with aspartic acid, which is acidic and polar, at codon 385 of the STK11 protein (p.Gly385Asp). This variant is not present in population databases (gnomAD no frequency). This variant has not been reported in the literature in individuals affected with STK11-related conditions. Advanced modeling of protein sequence and biophysical properties (such as structural, functional, and spatial information, amino acid conservation, physicochemical variation, residue mobility, and thermodynamic stability) performed at Invitae indicates that this missense variant is not expected to disrupt STK11 protein function with a negative predictive value of 95%. In summary, the available evidence is currently insufficient to determine the role of this variant in disease. Therefore, it has been classified as a Variant of Uncertain Significance.

NM_000455.5(STK11):c.1154G>A (p.Gly385Asp)

Gene: STK11 (serine/threonine kinase 11; plus strand). Cytogenetic location: 19p13.3.
Variant type: single nucleotide variant.
Coding change: c.1154G>A on transcript NM_000455.5 (MANE Select); coding-DNA position 1154, G replaced by A.
Protein change: p.Gly385Asp; replaces glycine 385 with aspartic acid.
Molecular consequence: missense variant. On other transcripts: non-coding transcript variant (1).
Genome position (GRCh38, 1-based): chr19:1,226,499, G>A. VCF-style: chr19-1226499-G-A. GRCh37 (hg19) VCF-style: chr19-1226498-G-A.
Other names: short protein forms G385D.
Identifiers: ClinVar variation 3636788 (VCV003636788.2).